The following is an entry in ClinVar:

ClinVar aggregate classification (germline): Uncertain significance. Review status: criteria provided, multiple submitters, no conflicts (2 of 4 stars). 2 submissions from 2 submitters: Uncertain significance (2). Last evaluated 2025-10-04.

Conditions:
Craniolenticulosutural dysplasia (CLSD). Also called: BOYADJIEV-JABS SYNDROME. Identifiers: Orphanet 50814, MedGen C1843042, MONDO:0011911, OMIM 607812.

gnomAD v4.1: 63 of 1,613,848 alleles (0.0039%); highest among the groups gnomAD compares: Non-Finnish European, 0.0047%; 1 homozygote.

Submissions (2):

Labcorp Genetics (formerly Invitae), Labcorp
Classification: Uncertain significance for Craniolenticulosutural dysplasia. Last evaluated: 2025-10-04. Review status: criteria provided, single submitter. Criteria: Invitae Variant Classification Sherloc (09022015). Collection method: clinical testing. Allele origin: germline.
Comment: This sequence change replaces alanine, which is neutral and non-polar, with serine, which is neutral and polar, at codon 478 of the SEC23A protein (p.Ala478Ser). This variant is present in population databases (rs759091967, gnomAD 0.008%). This variant has not been reported in the literature in individuals affected with SEC23A-related conditions. ClinVar contains an entry for this variant (Variation ID: 3317093). Invitae Evidence Modeling of protein sequence and biophysical properties (such as structural, functional, and spatial information, amino acid conservation, physicochemical variation, residue mobility, and thermodynamic stability) indicates that this missense variant is not expected to disrupt SEC23A protein function with a negative predictive value of 80%. In summary, the available evidence is currently insufficient to determine the role of this variant in disease. Therefore, it has been classified as a Variant of Uncertain Significance.

Ambry Genetics
Classification: Uncertain significance. Last evaluated: 2024-04-30. Review status: criteria provided, single submitter. Criteria: Ambry Variant Classification Scheme 2023. Collection method: clinical testing. Allele origin: germline.

NM_006364.4(SEC23A):c.1432G>T (p.Ala478Ser)

Gene: SEC23A (SEC23 homolog A, COPII component; minus strand). Cytogenetic location: 14q21.1.
Variant type: single nucleotide variant.
Coding change: c.1432G>T on transcript NM_006364.4 (MANE Select); coding-DNA position 1432, G replaced by T.
Protein change: p.Ala478Ser; replaces alanine 478 with serine.
Molecular consequence: missense variant.
Genome position (GRCh38, 1-based): chr14:39,061,838, C>A on the plus strand (G>T on the coding strand, the complement: SEC23A is on the minus strand). VCF-style: chr14-39061838-C-A. GRCh37 (hg19) VCF-style: chr14-39531042-C-A.
Other names: short protein forms A478S.
Identifiers: ClinVar variation 3317093 (VCV003317093.2).
Genomic context (GRCh38, chr14:39,061,838, plus strand): 5'-TGGTCACTCGGATGCGTCTCTGCCCACTTGAATGCTGATACTGAGTCACAAACTGGATTG[C>A]ACCACGCCCTCCTTGAGGAATTGGAGCATTATGCTGTATAAATATAATGGAGTAAAACCT-3'
Protein context (NP_006355.2, residues 468-488): NAPIPQGGRG[Ala478Ser]IQFVTQYQHS